The following is an entry in ClinVar:

NM_020921.4(NIN):c.5266A>T (p.Ser1756Cys)

Gene: NIN (ninein; minus strand). Cytogenetic location: 14q22.1.
Variant type: single nucleotide variant.
Coding change: c.5266A>T on transcript NM_020921.4 (MANE Select); coding-DNA position 5266, A replaced by T.
Protein change: p.Ser1756Cys; replaces serine 1756 with cysteine.
Molecular consequence: missense variant.
Genome position (GRCh38, 1-based): chr14:50,743,451, T>A on the plus strand (A>T on the coding strand, the complement: NIN is on the minus strand). VCF-style: chr14-50743451-T-A. GRCh37 (hg19) VCF-style: chr14-51210169-T-A.
Other names: c.3127A>T, p.Ser1043Cys (NM_016350.5); c.5266A>T, p.Ser1756Cys (NM_182944.3, NM_182946.2); short protein forms S1043C, S1756C.
Identifiers: ClinVar variation 2634484 (VCV002634484.1), dbSNP rs753762039, ClinGen allele CA7181341.
Genomic context (GRCh38, chr14:50,743,451, plus strand): 5'-GATGAAACAAGAATTGTCCATGTACCTTTTCCTGAGAAGCCACCAGCTGTGACTTTAAGC[T>A]CGCACTCTGATGTTCCCAGGATTTCTGTTCCTGCTTCATCGTCGCAATTCTATGCTCTAA-3'
Protein context (NP_065972.4, residues 1746-1766): EQKSWEHQSA[Ser1756Cys]LKSQLVASQE

ClinVar aggregate classification (germline): Uncertain significance (1 of 4 stars; one submission).

Conditions:
NIN-related disorder. Also called: NIN-related condition.

Allele frequency attached by ClinVar (database versions not stated): TOPMed below 0.00001; ExAC 0.00001; gnomAD exomes 0.00002.
gnomAD v4.1: 27 of 1,613,750 alleles (0.0017%); highest among the groups gnomAD compares: Non-Finnish European, 0.0022%; no homozygotes.

Submission:

PreventionGenetics, part of Exact Sciences
Classification: Uncertain significance for NIN-related condition. Last evaluated: 2022-09-26. Review status: criteria provided, single submitter. Criteria: ACMG Guidelines, 2015. Collection method: clinical testing. Allele origin: germline.
Comment: The NIN c.5266A>T variant is predicted to result in the amino acid substitution p.Ser1756Cys. To our knowledge, this variant has not been reported in the literature. This variant is reported in 0.0026% of alleles in individuals of European (Non-Finnish) descent in gnomAD. At this time, the clinical significance of this variant is uncertain due to the absence of conclusive functional and genetic evidence.